The following is an entry in ClinVar:

NM_000185.4(SERPIND1):c.260G>A (p.Ser87Asn)

Genes: PI4KA (phosphatidylinositol 4-kinase alpha; minus strand), SERPIND1 (serpin family D member 1; plus strand). Cytogenetic location: 22q11.21.
Variant type: single nucleotide variant.
Coding change: c.260G>A on transcript NM_000185.4 (MANE Select); coding-DNA position 260, G replaced by A.
Protein change: p.Ser87Asn; replaces serine 87 with asparagine.
Molecular consequence: missense variant. On other transcripts: intron variant (3).
Genome position (GRCh38, 1-based): chr22:20,779,572, G>A. VCF-style: chr22-20779572-G-A. GRCh37 (hg19) VCF-style: chr22-21133860-G-A.
Other names: c.2262+13621C>T (NM_001362863.2); c.2328+13621C>T (NM_001362862.2, NM_058004.4); short protein forms S87N.
Identifiers: ClinVar variation 781609 (VCV000781609.30), dbSNP rs34324685, ClinGen allele CA10115842.

ClinVar aggregate classification (germline): Benign/Likely benign. Review status: criteria provided, multiple submitters, no conflicts (2 of 4 stars). 4 submissions from 4 submitters: Benign (2); Likely benign (2). Last evaluated 2026-07-01.

Conditions:
SERPIND1-related disorder. Also called: SERPIND1-related condition.

Allele frequency attached by ClinVar (database versions not stated): gnomAD exomes 0.00069 and 0.00186; ExAC 0.00236; 1000 Genomes Project 0.00739; gnomAD 0.00747 and 0.00803; 1000 Genomes Project 30x 0.00812; ESP Exome Variant Server 0.00853; TOPMed 0.00861.
gnomAD v4.1: 2,175 of 1,614,212 alleles (0.13%); highest among the groups gnomAD compares: African/African-American, 2.6%; 21 homozygotes.

Submissions (4):

CeGaT Center for Human Genetics Tuebingen
Classification: Likely benign. Last evaluated: 2026-07-01. Review status: criteria provided, single submitter. Criteria: CeGaT Center For Human Genetics Tuebingen Variant Classification Criteria Version 2. Collection method: clinical testing. Allele origin: germline. Affected: yes. Observed: 4 variant alleles.
Comment: SERPIND1: BP4

PreventionGenetics, part of Exact Sciences
Classification: Likely benign for SERPIND1-related condition. Last evaluated: 2025-09-22. Review status: criteria provided, single submitter. Criteria: ACMG Guidelines, 2015. Collection method: clinical testing. Allele origin: germline.
Comment: This variant is classified as likely benign based on ACMG/AMP sequence variant interpretation guidelines (Richards et al. 2015 PMID: 25741868, with internal and published modifications).

Labcorp Genetics (formerly Invitae), Labcorp
Classification: Benign. Last evaluated: 2019-12-31. Review status: criteria provided, single submitter. Criteria: Invitae Variant Classification Sherloc (09022015). Collection method: clinical testing. Allele origin: germline.

Breakthrough Genomics
Classification: Benign. Review status: criteria provided, single submitter. Criteria: ACMG Guidelines, 2015. Collection method: not provided. Allele origin: germline. Inheritance: Autosomal dominant inheritance. Affected: yes.